The following is an entry in ClinVar:

ClinVar aggregate classification (germline): Uncertain significance. Review status: criteria provided, multiple submitters, no conflicts (2 of 4 stars). 3 submissions from 3 submitters: Uncertain significance (3). Last evaluated 2025-11-13.

Allele frequency attached by ClinVar (database versions not stated): ExAC 0.00002; gnomAD exomes 0.00002; gnomAD 0.00010; TOPMed 0.00011; 1000 Genomes Project 30x 0.00016; 1000 Genomes Project 0.00020.
gnomAD v4.1: 42 of 1,614,190 alleles (0.0026%); highest among the groups gnomAD compares: African/African-American, 0.045%; no homozygotes.

Submissions (3):

Ambry Genetics
Classification: Uncertain significance. Last evaluated: 2025-11-13. Review status: criteria provided, single submitter. Criteria: Ambry Variant Classification Scheme 2023. Collection method: clinical testing. Allele origin: germline.

Women's Health and Genetics/Laboratory Corporation of America, LabCorp
Classification: Uncertain significance. Last evaluated: 2024-10-01. Review status: criteria provided, single submitter. Criteria: LabCorp Variant Classification Summary - May 2015. Collection method: clinical testing. Allele origin: germline.
Comment: Variant summary: FAT2 c.8561G>A (p.Ser2854Asn) results in a conservative amino acid change located in the Cadherin-like domain (IPR002126) of the encoded protein sequence. Five of five in-silico tools predict a benign effect of the variant on protein function. The variant allele was found at a frequency of 1.6e-05 in 251328 control chromosomes. The available data on variant occurrences in the general population are insufficient to allow any conclusion about variant significance. To our knowledge, no occurrence of c.8561G>A in individuals affected with Spinocerebellar Ataxia 45 and no experimental evidence demonstrating its impact on protein function have been reported. ClinVar contains an entry for this variant (Variation ID: 2304381). Based on the evidence outlined above, the variant was classified as uncertain significance.

Labcorp Genetics (formerly Invitae), Labcorp
Classification: Uncertain significance. Last evaluated: 2022-08-10. Review status: criteria provided, single submitter. Criteria: Invitae Variant Classification Sherloc (09022015). Collection method: clinical testing. Allele origin: germline.
Comment: In summary, the available evidence is currently insufficient to determine the role of this variant in disease. Therefore, it has been classified as a Variant of Uncertain Significance. Algorithms developed to predict the effect of missense changes on protein structure and function output the following: SIFT: "Tolerated"; PolyPhen-2: "Benign"; Align-GVGD: "Class C0". The asparagine amino acid residue is found in multiple mammalian species, which suggests that this missense change does not adversely affect protein function. This variant has not been reported in the literature in individuals affected with FAT2-related conditions. This variant is present in population databases (rs201852648, gnomAD 0.02%). This sequence change replaces serine, which is neutral and polar, with asparagine, which is neutral and polar, at codon 2854 of the FAT2 protein (p.Ser2854Asn).

NM_001447.3(FAT2):c.8561G>A (p.Ser2854Asn)

Genes: FAT2 (FAT atypical cadherin 2; minus strand), SLC36A1 (solute carrier family 36 member 1; plus strand). Cytogenetic location: 5q33.1.
Variant type: single nucleotide variant.
Coding change: c.8561G>A on transcript NM_001447.3 (MANE Select); coding-DNA position 8561, G replaced by A.
Protein change: p.Ser2854Asn; replaces serine 2854 with asparagine.
Molecular consequence: missense variant.
Genome position (GRCh38, 1-based): chr5:151,542,566, C>T on the plus strand (G>A on the coding strand, the complement: FAT2 is on the minus strand). VCF-style: chr5-151542566-C-T. GRCh37 (hg19) VCF-style: chr5-150922127-C-T.
Other names: c.8561G>A (NM_001447.2); short protein forms S2854N.
Identifiers: ClinVar variation 2304381 (VCV002304381.9), dbSNP rs201852648, ClinGen allele CA3520791.